The following is an entry in ClinVar:

NM_001271.4(CHD2):c.4284A>G (p.Lys1428=)

Gene: CHD2 (chromodomain helicase DNA binding protein 2; plus strand). Cytogenetic location: 15q26.1.
Variant type: single nucleotide variant.
Coding change: c.4284A>G on transcript NM_001271.4 (MANE Select); coding-DNA position 4284, A replaced by G.
Protein change: p.Lys1428=; no amino-acid change (lysine 1428 retained).
Molecular consequence: synonymous variant.
Genome position (GRCh38, 1-based): chr15:93,004,622, A>G. VCF-style: chr15-93004622-A-G. GRCh37 (hg19) VCF-style: chr15-93547852-A-G.
Identifiers: ClinVar variation 238883 (VCV000238883.41), dbSNP rs35339954, ClinGen allele CA7748446.
Genomic context (GRCh38, chr15:93,004,622, plus strand): 5'-TCGCACGGTAGGATTGCACAAATGACAATGACTCCTTGTAACTCTTTTTTAAAAGCCTAA[A>G]AGTGGTGATGCCAAATCTTCGAGTAAATCAAAGCGATCTCAGGGTCCTGTCCATATTACA-3'
Protein context (NP_001262.3, residues 1418-1438): KKSKDKKEKP[Lys1428=]SGDAKSSSKS

ClinVar aggregate classification (germline): Benign/Likely benign. Review status: criteria provided, multiple submitters, no conflicts (2 of 4 stars). 6 submissions from 6 submitters: Benign (3); Likely benign (3). Last evaluated 2026-10-01.

Conditions:
Inborn genetic diseases. Identifiers: MedGen C0950123, MeSH D030342.
Developmental and epileptic encephalopathy 94 (DEE94). Also called: CHD2-Related Neurodevelopmental Disorders; Epileptic encephalopathy, childhood-onset. Identifiers: Orphanet 1942, Orphanet 2382, MedGen C3809278, MONDO:0014150, OMIM 615369.

Allele frequency attached by ClinVar (database versions not stated): gnomAD exomes 0.00026 and 0.00067; ExAC 0.00076; 1000 Genomes Project 0.00180; 1000 Genomes Project 30x 0.00203; gnomAD 0.00244 and 0.00267; TOPMed 0.00273; ESP Exome Variant Server 0.00300.
gnomAD v4.1: 752 of 1,611,420 alleles (0.047%); highest among the groups gnomAD compares: African/African-American, 0.93%; 4 homozygotes.

Submissions (6):

CeGaT Center for Human Genetics Tuebingen
Classification: Likely benign. Last evaluated: 2026-10-01. Review status: criteria provided, single submitter. Criteria: CeGaT Center For Human Genetics Tuebingen Variant Classification Criteria Version 2. Collection method: clinical testing. Allele origin: germline. Affected: yes. Observed: 3 variant alleles.
Comment: CHD2: BP4, BS1

Labcorp Genetics (formerly Invitae), Labcorp
Classification: Benign for Developmental and epileptic encephalopathy 94. Last evaluated: 2026-02-03. Review status: criteria provided, single submitter. Criteria: Invitae Variant Classification Sherloc (09022015). Collection method: clinical testing. Allele origin: germline.

ARUP Laboratories, Molecular Genetics and Genomics, ARUP Laboratories
Classification: Benign for Developmental and epileptic encephalopathy 94. Last evaluated: 2025-03-13. Review status: criteria provided, single submitter. Criteria: ARUP Molecular Germline Variant Investigation Process 2024. Collection method: clinical testing. Allele origin: germline.

Blueprint Genetics
Classification: Likely benign. Last evaluated: 2024-11-25. Review status: criteria provided, single submitter. Criteria: ACMG Guidelines, 2015. Collection method: clinical testing. Allele origin: germline.

Ambry Genetics
Classification: Likely benign for Inborn genetic diseases. Last evaluated: 2016-07-28. Review status: criteria provided, single submitter. Criteria: Ambry Variant Classification Scheme 2023. Collection method: clinical testing. Allele origin: germline.

GeneDx
Classification: Benign. Last evaluated: 2016-04-07. Review status: criteria provided, single submitter. Criteria: GeneDx Variant Classification (06012015). Collection method: clinical testing. Allele origin: germline. Affected: yes.
Comment: This variant is considered likely benign or benign based on one or more of the following criteria: it is a conservative change, it occurs at a poorly conserved position in the protein, it is predicted to be benign by multiple in silico algorithms, and/or has population frequency not consistent with disease.